The following is an entry in ClinVar:

ClinVar aggregate classification (germline): Uncertain significance (1 of 4 stars; one submission).

Submission:

Labcorp Genetics (formerly Invitae), Labcorp
Classification: Uncertain significance. Last evaluated: 2023-03-31. Review status: criteria provided, single submitter. Criteria: Invitae Variant Classification Sherloc (09022015). Collection method: clinical testing. Allele origin: germline.
Comment: This sequence change replaces proline, which is neutral and non-polar, with threonine, which is neutral and polar, at codon 142 of the CLTC protein (p.Pro142Thr). This variant is not present in population databases (gnomAD no frequency). This variant has not been reported in the literature in individuals affected with CLTC-related conditions. ClinVar contains an entry for this variant (Variation ID: 1721656). Advanced modeling of protein sequence and biophysical properties (such as structural, functional, and spatial information, amino acid conservation, physicochemical variation, residue mobility, and thermodynamic stability) performed at Invitae indicates that this missense variant is expected to disrupt CLTC protein function. In summary, the available evidence is currently insufficient to determine the role of this variant in disease. Therefore, it has been classified as a Variant of Uncertain Significance.

NM_004859.4(CLTC):c.412C>A (p.Pro138Thr)

Gene: CLTC (clathrin heavy chain; plus strand). Cytogenetic location: 17q23.1.
Variant type: single nucleotide variant.
Coding change: c.412C>A on transcript NM_004859.4 (MANE Select); coding-DNA position 412, C replaced by A.
Protein change: p.Pro138Thr; replaces proline 138 with threonine.
Molecular consequence: missense variant.
Genome position (GRCh38, 1-based): chr17:59,647,559, C>A. VCF-style: chr17-59647559-C-A. GRCh37 (hg19) VCF-style: chr17-57724920-C-A.
Other names: c.424C>A, p.Pro142Thr (NM_001288653.2); short protein forms P138T, P142T.
Identifiers: ClinVar variation 1721656 (VCV001721656.5), dbSNP rs771335252, ClinGen allele CA400420125.